The following is an entry in ClinVar:

NM_032043.3(BRIP1):c.1568C>T (p.Thr523Ile)

Gene: BRIP1 (BRCA1 interacting DNA helicase 1; minus strand). Cytogenetic location: 17q23.2.
Variant type: single nucleotide variant.
Coding change: c.1568C>T on transcript NM_032043.3 (MANE Select); coding-DNA position 1568, C replaced by T.
Protein change: p.Thr523Ile; replaces threonine 523 with isoleucine.
Molecular consequence: missense variant.
Genome position (GRCh38, 1-based): chr17:61,784,330, G>A on the plus strand (C>T on the coding strand, the complement: BRIP1 is on the minus strand). VCF-style: chr17-61784330-G-A. GRCh37 (hg19) VCF-style: chr17-59861691-G-A.
Other names: short protein forms T523I.
Identifiers: ClinVar variation 407845 (VCV000407845.11), dbSNP rs1060501764, ClinGen allele CA16615813.

ClinVar aggregate classification (germline): Uncertain significance. Review status: criteria provided, multiple submitters, no conflicts (2 of 4 stars). 3 submissions from 3 submitters: Uncertain significance (2). 1 of the submissions does not count toward it. Last evaluated 2023-10-03.

Conditions:
Familial cancer of breast. Also called: Hereditary breast cancer; hereditary breast carcinoma; BREAST CANCER, FAMILIAL. Identifiers: Orphanet 227535, MedGen C0346153, MONDO:0016419, OMIM 114480. Disease mechanism: loss of function.
Fanconi anemia complementation group J. Also called: BRIP1-Related Fanconi Anemia. Identifiers: Orphanet 84, MedGen C1836860, MONDO:0012187, OMIM 609054.
Ovarian cancer. Also called: OVARIAN CANCER, SOMATIC. Identifiers: Orphanet 213500, MedGen C1140680, MONDO:0008170, OMIM 167000.

Submissions (3):

Labcorp Genetics (formerly Invitae), Labcorp
Classification: Uncertain significance for Familial cancer of breast; Fanconi anemia complementation group J. Last evaluated: 2023-10-03. Review status: criteria provided, single submitter. Criteria: Invitae Variant Classification Sherloc (09022015). Collection method: clinical testing. Allele origin: germline.
Comment: This sequence change replaces threonine, which is neutral and polar, with isoleucine, which is neutral and non-polar, at codon 523 of the BRIP1 protein (p.Thr523Ile). This variant is not present in population databases (gnomAD no frequency). This variant has not been reported in the literature in individuals affected with BRIP1-related conditions. ClinVar contains an entry for this variant (Variation ID: 407845). Advanced modeling of protein sequence and biophysical properties (such as structural, functional, and spatial information, amino acid conservation, physicochemical variation, residue mobility, and thermodynamic stability) has been performed at Invitae for this missense variant, however the output from this modeling did not meet the statistical confidence thresholds required to predict the impact of this variant on BRIP1 protein function. In summary, the available evidence is currently insufficient to determine the role of this variant in disease. Therefore, it has been classified as a Variant of Uncertain Significance.

Myriad Genetics, Inc.
Classification: Uncertain significance for Familial cancer of breast. Last evaluated: 2023-02-27. Review status: criteria provided, single submitter. Criteria: Myriad Autosomal Dominant, Autosomal Recessive and X-Linked Classification Criteria (2023). Collection method: clinical testing. Allele origin: unknown.
Comment: This variant is classified as a variant of uncertain significance as there is insufficient evidence to determine its impact on protein function and/or cancer risk.

Counsyl
Classification: Uncertain significance for Fanconi anemia complementation group J; Ovarian cancer. Last evaluated: 2018-04-02. Review status: no assertion criteria provided. Collection method: clinical testing. Allele origin: unknown. Not counted in ClinVar's aggregate classification.